The following is an entry in ClinVar:

NM_015544.3(TMEM98):c.131+9G>C

Gene: TMEM98 (transmembrane protein 98; plus strand). Cytogenetic location: 17q11.2.
Variant type: single nucleotide variant.
Coding change: c.131+9G>C on transcript NM_015544.3 (MANE Select); 9 bases into the intron after coding-DNA position 131, G replaced by C.
Molecular consequence: intron variant.
Genome position (GRCh38, 1-based): chr17:32,931,668, G>C. VCF-style: chr17-32931668-G-C. GRCh37 (hg19) VCF-style: chr17-31258686-G-C.
Other names: c.131+9G>C (NM_001301746.2, NM_001033504.2).
Identifiers: ClinVar variation 3059403 (VCV003059403.2), dbSNP rs72817027, ClinGen allele CA8494339.

ClinVar aggregate classification (germline): Benign (0 of 4 stars; one submission).

Conditions:
TMEM98-related disorder. Also called: TMEM98-related condition.

Allele frequency attached by ClinVar (database versions not stated): 1000 Genomes Project 0.02616; 1000 Genomes Project 30x 0.02733; gnomAD 0.04670; TOPMed 0.04836; ESP Exome Variant Server 0.05398; ExAC 0.06133.
gnomAD v4.1: 96,147 of 1,603,584 alleles (6%); highest among the groups gnomAD compares: Middle Eastern, 8.8%; 3,365 homozygotes.

Submission:

PreventionGenetics, part of Exact Sciences
Classification: Benign for TMEM98-related condition. Last evaluated: 2020-01-03. Review status: no assertion criteria provided. Collection method: clinical testing. Allele origin: germline.
Comment: This variant is classified as benign based on ACMG/AMP sequence variant interpretation guidelines (Richards et al. 2015 PMID: 25741868, with internal and published modifications).